The following is an entry in ClinVar:

NM_012330.4(KAT6B):c.3877_3879del (p.Lys1293del)

Gene: KAT6B (lysine acetyltransferase 6B; plus strand). Cytogenetic location: 10q22.2.
Variant type: Deletion.
Coding change: c.3877_3879del on transcript NM_012330.4 (MANE Select); coding-DNA positions 3877 to 3879, 3 bases deleted (AAG; older notation c.3877_3879delAAG).
Protein change: p.Lys1293del; deletes lysine 1293.
Genome position (GRCh38, 1-based): chr10:75,028,701-75,028,703, AAG deleted; deleting any 3 consecutive bases within chr10:75,028,699-75,028,703 gives the same sequence; the c. name uses the placement nearest the transcript's 3' end. VCF-style (leftmost placement, unchanged base first): chr10-75028698-CAGA-C. GRCh37 (hg19) VCF-style: chr10-76788456-CAGA-C.
Other names: c.2188_2190del, p.Lys730del (NM_001370133.1); c.1792_1794del, p.Lys598del (NM_001370134.1); c.1534_1536del, p.Lys512del (NM_001370135.1); c.3877_3879del, p.Lys1293del (NM_001370136.1, NM_001370137.1); c.3328_3330del, p.Lys1110del (NM_001370138.1, NM_001256468.2); c.3001_3003del, p.Lys1001del (NM_001370139.1, NM_001370140.1, NM_001370141.1 and 2 more transcripts); c.2839_2841del, p.Lys947del (NM_001370132.1); c.2812_2814del, p.Lys938del (NM_001370143.1, NM_001370144.1); short protein forms K947del, K1001del, K1110del, K730del, K1293del, K512del, K598del, K938del.
Identifiers: ClinVar variation 3679925 (VCV003679925.2).

ClinVar aggregate classification (germline): Uncertain significance (1 of 4 stars; one submission).

Conditions:
Genitopatellar syndrome (GTPTS). Also called: ABSENT PATELLAE, SCROTAL HYPOPLASIA, RENAL ANOMALIES, FACIAL DYSMORPHISM, AND MENTAL RETARDATION; Genitopatellar syndrome (GPS). Identifiers: Orphanet 85201, MedGen C1853566, MONDO:0011640, OMIM 606170.

Submission:

Labcorp Genetics (formerly Invitae), Labcorp
Classification: Uncertain significance for Genitopatellar syndrome. Last evaluated: 2024-12-11. Review status: criteria provided, single submitter. Criteria: Invitae Variant Classification Sherloc (09022015). Collection method: clinical testing. Allele origin: germline.
Comment: This variant, c.3877_3879del, results in the deletion of 1 amino acid(s) of the KAT6B protein (p.Lys1293del), but otherwise preserves the integrity of the reading frame. This variant is not present in population databases (gnomAD no frequency). This variant has not been reported in the literature in individuals affected with KAT6B-related conditions. Experimental studies and prediction algorithms are not available or were not evaluated, and the functional significance of this variant is currently unknown. In summary, the available evidence is currently insufficient to determine the role of this variant in disease. Therefore, it has been classified as a Variant of Uncertain Significance.